The following is an entry in ClinVar:

ClinVar aggregate classification (germline): Uncertain significance (1 of 4 stars; one submission).

Conditions:
Long QT syndrome (LQTS). Identifiers: MedGen C0023976, MeSH D008133, MONDO:0002442. Disease mechanism: loss of function. Inheritance: Various modes of inheritance.

gnomAD v4.1: 6 of 1,600,424 alleles (0.00037%); highest among the groups gnomAD compares: South Asian, 0.0023%; 1 homozygote.

Submission:

Labcorp Genetics (formerly Invitae), Labcorp
Classification: Uncertain significance for Long QT syndrome. Last evaluated: 2024-07-25. Review status: criteria provided, single submitter. Criteria: Invitae Variant Classification Sherloc (09022015). Collection method: clinical testing. Allele origin: germline.
Comment: This sequence change replaces asparagine, which is neutral and polar, with histidine, which is basic and polar, at codon 777 of the AKAP9 protein (p.Asn777His). This variant is present in population databases (rs767657445, gnomAD 0.0009%). This variant has not been reported in the literature in individuals affected with AKAP9-related conditions. An algorithm developed to predict the effect of missense changes on protein structure and function (PolyPhen-2) suggests that this variant is likely to be disruptive. In summary, the available evidence is currently insufficient to determine the role of this variant in disease. Therefore, it has been classified as a Variant of Uncertain Significance.

NM_005751.5(AKAP9):c.2329A>C (p.Asn777His)

Gene: AKAP9 (A-kinase anchoring protein 9; plus strand). Cytogenetic location: 7q21.2.
Variant type: single nucleotide variant.
Coding change: c.2329A>C on transcript NM_005751.5 (MANE Select); coding-DNA position 2329, A replaced by C.
Protein change: p.Asn777His; replaces asparagine 777 with histidine.
Molecular consequence: missense variant.
Genome position (GRCh38, 1-based): chr7:92,002,246, A>C. VCF-style: chr7-92002246-A-C. GRCh37 (hg19) VCF-style: chr7-91631560-A-C.
Other names: c.2329A>C, p.Asn777His (NM_147185.3); short protein forms N777H.
Identifiers: ClinVar variation 3676195 (VCV003676195.2).